The following is an entry in ClinVar:

ClinVar aggregate classification (germline): Benign/Likely benign. Review status: criteria provided, multiple submitters, no conflicts (2 of 4 stars). 18 submissions from 16 submitters: Benign (11); Likely benign (2). 5 of the submissions do not count toward it. Last evaluated 2026-10-01.

Conditions:
Hereditary cancer-predisposing syndrome. Also called: Neoplastic Syndromes, Hereditary; Tumor predisposition; Hereditary neoplastic syndrome; Hereditary Cancer Syndrome. Identifiers: Orphanet 140162, MedGen C0027672, MeSH D009386, MONDO:0015356.
Familial thoracic aortic aneurysm and aortic dissection (TAAD). Also called: Thoracic aortic aneurysms and dissections. Identifiers: Orphanet 91387, MedGen C4707243, MONDO:0019625.
Myhre syndrome (MYHRS). Also called: LARYNGOTRACHEAL STENOSIS, ARTHROPATHY, PROGNATHISM, AND SHORT STATURE; LAPS SYNDROME. Identifiers: Orphanet 2588, MedGen C0796081, MONDO:0007688, OMIM 139210.
Generalized juvenile polyposis/juvenile polyposis coli. Also called: Juvenile polyposis coli. Identifiers: Orphanet 329971, MedGen C1868081, MONDO:0008276.
Juvenile polyposis/hereditary hemorrhagic telangiectasia syndrome (JPHT). Also called: Juvenile Polyposis Syndrome / Hereditary Hemorrhagic Telangiectasia (JPS/HHT); JP/HHT SYNDROME; JUVENILE POLYPOSIS WITH HEREDITARY HEMORRHAGIC TELANGIECTASIA; POLYPOSIS, GENERALIZED JUVENILE, WITH PULMONARY ARTERIOVENOUS MALFORMATION; TELANGIECTASIA, HEREDITARY HEMORRHAGIC, WITH JUVENILE POLYPOSIS COLI. Identifiers: Orphanet 2929, MedGen C1832942, MONDO:0008278, OMIM 175050.
Carcinoma of colon (CRC). Also called: Colonic carcinoma; Colon carcinoma. Identifiers: MedGen C0699790, MONDO:0002032.

Allele frequency attached by ClinVar (database versions not stated): 1000 Genomes Project 0.00399; 1000 Genomes Project 30x 0.00468; TOPMed 0.00494; ESP Exome Variant Server 0.00507; gnomAD 0.00538; ExAC 0.00548.
gnomAD v4.1: 9,825 of 1,588,848 alleles (0.62%); highest among the groups gnomAD compares: Non-Finnish European, 0.73%; 61 homozygotes.

Submissions (18):

CeGaT Center for Human Genetics Tuebingen
Classification: Benign. Last evaluated: 2026-10-01. Review status: criteria provided, single submitter. Criteria: CeGaT Center For Human Genetics Tuebingen Variant Classification Criteria Version 2. Collection method: clinical testing. Allele origin: germline. Affected: yes. Observed: 106 variant alleles.
Comment: SMAD4: BS1, BS2

Center for Genomic Medicine, Rigshospitalet, Copenhagen University Hospital
Classification: Benign. Last evaluated: 2025-03-04. Review status: criteria provided, single submitter. Criteria: ACMG Guidelines, 2015. Collection method: clinical testing. Allele origin: germline.

Blueprint Genetics
Classification: Likely benign. Last evaluated: 2024-11-28. Review status: criteria provided, single submitter. Criteria: ACMG Guidelines, 2015. Collection method: clinical testing. Allele origin: germline.

Women's Health and Genetics/Laboratory Corporation of America, LabCorp
Classification: Benign. Last evaluated: 2023-07-21. Review status: criteria provided, single submitter. Criteria: LabCorp Variant Classification Summary - May 2015. Collection method: clinical testing. Allele origin: germline.

ARUP Laboratories, Molecular Genetics and Genomics, ARUP Laboratories
Classification: Benign. Last evaluated: 2022-04-15. Review status: criteria provided, single submitter. Criteria: ARUP Molecular Germline Variant Investigation Process 2021. Collection method: clinical testing. Allele origin: germline.

Genetic Services Laboratory, University of Chicago
Classification: Benign. Last evaluated: 2018-07-26. Review status: criteria provided, single submitter. Criteria: ACMG Guidelines, 2015. Collection method: clinical testing. Allele origin: germline. Affected: no.

Illumina Laboratory Services, Illumina
Classification: Benign for Myhre syndrome. Last evaluated: 2018-01-13. Review status: criteria provided, single submitter. Criteria: ICSL Variant Classification Criteria 13 December 2019. Collection method: clinical testing. Allele origin: germline.
Comment: This variant was observed in the ICSL laboratory as part of a predisposition screen in an ostensibly healthy population. It had not been previously curated by ICSL or reported in the Human Gene Mutation Database (HGMD: prior to June 1st, 2018), and was therefore a candidate for classification through an automated scoring system. Utilizing variant allele frequency, disease prevalence and penetrance estimates, and inheritance mode, an automated score was calculated to assess if this variant is too frequent to cause the disease. Based on the score and internal cut-off values, a variant classified as benign is not then subjected to further curation. The score for this variant resulted in a classification of benign for this disease.

Illumina Laboratory Services, Illumina
Classification: Benign for Juvenile polyposis/hereditary hemorrhagic telangiectasia syndrome. Last evaluated: 2018-01-13. Review status: criteria provided, single submitter. Criteria: ICSL Variant Classification Criteria 13 December 2019. Collection method: clinical testing. Allele origin: germline.
Comment: the same text as in the submission from Illumina Laboratory Services, Illumina above.

Illumina Laboratory Services, Illumina
Classification: Benign for Juvenile polyposis syndrome. Last evaluated: 2018-01-13. Review status: criteria provided, single submitter. Criteria: ICSL Variant Classification Criteria 13 December 2019. Collection method: clinical testing. Allele origin: germline.
Comment: the same text as in the submission from Illumina Laboratory Services, Illumina above.

CHEO Genetics Diagnostic Laboratory, Children's Hospital of Eastern Ontario
Classification: Likely benign for Familial thoracic aortic aneurysm and aortic dissection. Last evaluated: 2017-03-09. Review status: criteria provided, single submitter. Criteria: ACMG Guidelines, 2015. Collection method: clinical testing. Allele origin: germline. Study: Canadian Open Genetics Repository.

Color Diagnostics, LLC DBA Color Health
Classification: Benign for Hereditary cancer-predisposing syndrome. Last evaluated: 2016-03-09. Review status: criteria provided, single submitter. Criteria: ACMG Guidelines, 2015. Collection method: clinical testing. Allele origin: germline.

GeneDx
Classification: Benign. Last evaluated: 2013-11-07. Review status: criteria provided, single submitter. Criteria: GeneDx Variant Classification (06012015). Collection method: clinical testing. Allele origin: germline. Affected: yes.
Comment: This variant is considered likely benign or benign based on one or more of the following criteria: it is a conservative change, it occurs at a poorly conserved position in the protein, it is predicted to be benign by multiple in silico algorithms, and/or has population frequency not consistent with disease.

PreventionGenetics, part of Exact Sciences
Classification: Benign. Review status: criteria provided, single submitter. Criteria: ACMG Guidelines, 2015. Collection method: clinical testing. Allele origin: germline.

Clinical Genetics, Academic Medical Center
Classification: Benign. Review status: no assertion criteria provided. Collection method: clinical testing. Allele origin: germline. Affected: yes. Study: VKGL Data-share Consensus. Not counted in ClinVar's aggregate classification.

Department of Pathology and Laboratory Medicine, Sinai Health System
Classification: Likely benign for Carcinoma of colon. Review status: no assertion criteria provided. Collection method: clinical testing. Allele origin: unknown. Affected: yes. Study: The Canadian Open Genetics Repository (COGR). Not counted in ClinVar's aggregate classification.
Comment: The SMAD4 c.*11C>T variant was not identified in the literature nor was it identified in the ARUP Laboratories database. The variant was identified in dbSNP (ID: rs11663402) as "With other allele", ClinVar (classified as benign by Color Genomics, GeneDx, and PreventionGenetics; as likely benign by Mayo Clinic), and LOVD 3.0 (3x benign or likely benign). The variant was identified in control databases in 1416 of 275456 chromosomes (8 homozygous) at a frequency of 0.005, increasing the likelihood this could be a low frequency benign variant (Genome Aggregation Database Feb 27, 2017). The variant was observed in the following populations: African in 37 of 23968 chromosomes (freq: 0.002), Other in 30 of 6442 chromosomes (freq: 0.005), Latino in 177 of 34334 chromosomes (freq: 0.005), European in 987 of 125862 chromosomes (freq: 0.008), Ashkenazi Jewish in 71 of 10094 chromosomes (freq: 0.007), Finnish in 97 of 25220 chromosomes (freq: 0.004), and South Asian in 17 of 30714 chromosomes (freq: 0.0006), but was not observed in the East Asian population. The variant occurs outside of the splicing consensus sequence and in silico or computational prediction software programs (SpliceSiteFinder, MaxEntScan, NNSPLICE, GeneSplicer) do not predict a difference in splicing. In summary, based on the above information, the clinical significance of this variant cannot be determined with certainty at this time although we would lean towards a more benign role for this variant. This variant is classified as likely benign.

Genome Diagnostics Laboratory, University Medical Center Utrecht
Classification: Likely benign. Review status: no assertion criteria provided. Collection method: clinical testing. Allele origin: germline. Affected: yes. Study: VKGL Data-share Consensus. Not counted in ClinVar's aggregate classification.

Joint Genome Diagnostic Labs from Nijmegen and Maastricht, Radboudumc and MUMC+
Classification: Benign. Review status: no assertion criteria provided. Collection method: clinical testing. Allele origin: germline. Affected: yes. Study: VKGL Data-share Consensus. Not counted in ClinVar's aggregate classification.

Mayo Clinic Laboratories, Mayo Clinic
Classification: Likely benign. Review status: no assertion criteria provided. Collection method: clinical testing. Allele origin: unknown. Not counted in ClinVar's aggregate classification.

NM_005359.6(SMAD4):c.*11C>T

Gene: SMAD4 (SMAD family member 4; plus strand). Cytogenetic location: 18q21.2.
Variant type: single nucleotide variant.
Coding change: c.*11C>T on transcript NM_005359.6 (MANE Select); 11 bases downstream of the stop codon, C replaced by T.
Molecular consequence: 3 prime UTR variant.
Genome position (GRCh38, 1-based): chr18:51,078,478, C>T. VCF-style: chr18-51078478-C-T. GRCh37 (hg19) VCF-style: chr18-48604848-C-T.
Identifiers: ClinVar variation 139220 (VCV000139220.68), dbSNP rs11663402, ClinGen allele CA293633.